The following is an entry in ClinVar:

NM_001105206.3(LAMA4):c.1818-16G>A

Gene: LAMA4 (laminin subunit alpha 4; minus strand). Cytogenetic location: 6q21.
Variant type: single nucleotide variant.
Coding change: c.1818-16G>A on transcript NM_001105206.3 (MANE Select); 16 bases into the intron before coding-DNA position 1818, G replaced by A.
Molecular consequence: intron variant.
Genome position (GRCh38, 1-based): chr6:112,155,722, C>T on the plus strand (G>A on the coding strand, the complement: LAMA4 is on the minus strand). VCF-style: chr6-112155722-C-T. GRCh37 (hg19) VCF-style: chr6-112476924-C-T.
Other names: c.1797-16G>A (LRG_433t2, NM_002290.5, NM_001105207.3).
Identifiers: ClinVar variation 514466 (VCV000514466.5), dbSNP rs1417950801, ClinGen allele CA451589019.
Genomic context (GRCh38, chr6:112,155,722, plus strand): 5'-AAAGCCTTCTGTACCAGCCCGTTCATATCTGAACTGTGCAACTTCCTGTTAATAAACAAA[C>T]ATTGTTATTTCTCCTTCTTACCTTCTTGGGGAATGGGGCCATGTTTAATGCTTGCTTTTT-3'

ClinVar aggregate classification (germline): Likely benign. Review status: criteria provided, multiple submitters, no conflicts (2 of 4 stars). 2 submissions from 2 submitters: Likely benign (2). Last evaluated 2022-09-15.

Conditions:
Dilated cardiomyopathy 1JJ (CMD1JJ). Identifiers: Orphanet 154, MedGen C3808935, MONDO:0014095, OMIM 615235.

Allele frequency attached by ClinVar (database versions not stated): gnomAD 0.00002 and 0.00001; gnomAD exomes 0.00001; TOPMed 0.00001.
gnomAD v4.1: 6 of 1,613,510 alleles (0.00037%); highest among the groups gnomAD compares: African/African-American, 0.0013%; no homozygotes.

Submissions (2):

Labcorp Genetics (formerly Invitae), Labcorp
Classification: Likely benign for Dilated cardiomyopathy 1JJ. Last evaluated: 2022-09-15. Review status: criteria provided, single submitter. Criteria: Invitae Variant Classification Sherloc (09022015). Collection method: clinical testing. Allele origin: germline.

GeneDx
Classification: Likely benign. Last evaluated: 2018-01-02. Review status: criteria provided, single submitter. Criteria: GeneDx Variant Classification (06012015). Collection method: clinical testing. Allele origin: germline. Affected: yes.
Comment: This variant is considered likely benign or benign based on one or more of the following criteria: it is a conservative change, it occurs at a poorly conserved position in the protein, it is predicted to be benign by multiple in silico algorithms, and/or has population frequency not consistent with disease.